The following is an entry in ClinVar:

NM_001364171.2(ODAD1):c.740C>T (p.Ala247Val)

Gene: ODAD1 (outer dynein arm docking complex subunit 1; minus strand). Cytogenetic location: 19q13.33.
Variant type: single nucleotide variant.
Coding change: c.740C>T on transcript NM_001364171.2 (MANE Select); coding-DNA position 740, C replaced by T.
Protein change: p.Ala247Val; replaces alanine 247 with valine.
Molecular consequence: missense variant.
Genome position (GRCh38, 1-based): chr19:48,304,066, G>A on the plus strand (C>T on the coding strand, the complement: ODAD1 is on the minus strand). VCF-style: chr19-48304066-G-A. GRCh37 (hg19) VCF-style: chr19-48807323-G-A.
Other names: c.629C>T, p.Ala210Val (NM_144577.4); short protein forms A210V, A247V.
Identifiers: ClinVar variation 421550 (VCV000421550.3), dbSNP rs774954250, ClinGen allele CA9548970.

ClinVar aggregate classification (germline): Conflicting classifications of pathogenicity. Review status: criteria provided, conflicting classifications (1 of 4 stars). 2 submissions from 2 submitters: Uncertain significance (1); Likely benign (1). Last evaluated 2023-12-13.

Conditions:
Primary ciliary dyskinesia. Also called: Ciliary dyskinesia. Identifiers: Orphanet 244, MedGen C0008780, MONDO:0016575, HP:0012265.

Allele frequency attached by ClinVar (database versions not stated): gnomAD 0.00001 and 0.00002; gnomAD exomes 0.00001 and 0.00002; ExAC 0.00002; TOPMed 0.00002.
gnomAD v4.1: 17 of 1,614,074 alleles (0.0011%); highest among the groups gnomAD compares: South Asian, 0.0099%; no homozygotes.

Submissions (2):

Ambry Genetics
Classification: Likely benign for Primary ciliary dyskinesia. Last evaluated: 2023-12-13. Review status: criteria provided, single submitter. Criteria: Ambry Variant Classification Scheme 2023. Collection method: clinical testing. Allele origin: germline.

GeneDx
Classification: Uncertain significance. Last evaluated: 2017-11-30. Review status: criteria provided, single submitter. Criteria: GeneDx Variant Classification (06012015). Collection method: clinical testing. Allele origin: germline. Affected: yes.
Comment: The A210V variant in the CCDC114 gene has not been reported previously as a pathogenic variant, nor as a benign variant, to our knowledge. The A210V variant was not observed in approximately 6500 individuals of European and African American ancestry in the NHLBI Exome Sequencing Project, indicating it is not a common benign variant in these populations. The A210V variant is a conservative amino acid substitution, which is not likely to impact secondary protein structure as these residues share similar properties. This substitution occurs at a position that is not conserved and in silico analysis predicts this variant likely does not alter the protein structure/function. We interpret A210V as a variant of uncertain significance.